The following is an entry in ClinVar:

ClinVar aggregate classification (germline): Uncertain significance (1 of 4 stars; one submission).

Conditions:
Congenital contractural arachnodactyly (CCA). Also called: BEALS SYNDROME; Arthrogryposis, distal, type 9; Beals-Hecht syndrome. Identifiers: Orphanet 115, MedGen C0220668, MONDO:0007363, OMIM 121050.

Submission:

Labcorp Genetics (formerly Invitae), Labcorp
Classification: Uncertain significance for Congenital contractural arachnodactyly. Last evaluated: 2025-11-03. Review status: criteria provided, single submitter. Criteria: Invitae Variant Classification Sherloc (09022015). Collection method: clinical testing. Allele origin: germline.
Comment: This sequence change replaces glycine, which is neutral and non-polar, with aspartic acid, which is acidic and polar, at codon 2479 of the FBN2 protein (p.Gly2479Asp). This variant is not present in population databases (gnomAD no frequency). This variant has not been reported in the literature in individuals affected with FBN2-related conditions. Invitae Evidence Modeling of protein sequence and biophysical properties (such as structural, functional, and spatial information, amino acid conservation, physicochemical variation, residue mobility, and thermodynamic stability) indicates that this missense variant is expected to disrupt FBN2 protein function with a positive predictive value of 80%. In summary, the available evidence is currently insufficient to determine the role of this variant in disease. Therefore, it has been classified as a Variant of Uncertain Significance.

NM_001999.4(FBN2):c.7436G>A (p.Gly2479Asp)

Gene: FBN2 (fibrillin 2; minus strand). Cytogenetic location: 5q23.3.
Variant type: single nucleotide variant.
Coding change: c.7436G>A on transcript NM_001999.4 (MANE Select); coding-DNA position 7436, G replaced by A.
Protein change: p.Gly2479Asp; replaces glycine 2479 with aspartic acid.
Molecular consequence: missense variant.
Genome position (GRCh38, 1-based): chr5:128,277,915, C>T on the plus strand (G>A on the coding strand, the complement: FBN2 is on the minus strand). VCF-style: chr5-128277915-C-T. GRCh37 (hg19) VCF-style: chr5-127613607-C-T.
Other names: short protein forms G2479D.
Identifiers: ClinVar variation 4810354 (VCV004810354.1).